The following is an entry in ClinVar:

ClinVar aggregate classification (germline): Benign. Review status: criteria provided, single submitter (1 of 4 stars). 3 submissions from 3 submitters: Benign (1). 2 of the submissions do not count toward it. Last evaluated 2025-12-16.

Conditions:
SLC25A13-related disorder. Also called: SLC25A13-related condition.
Citrullinemia. Identifiers: Orphanet 187, MedGen C0175683, MONDO:0015991.
Citrin deficiency. Identifiers: Orphanet 247582, MedGen C1997910, MONDO:0016602.

Allele frequency attached by ClinVar (database versions not stated): gnomAD below 0.00001 and 0.00001; TOPMed 0.00002; gnomAD exomes 0.00006 and 0.00011; ExAC 0.00013; 1000 Genomes Project 0.00020; 1000 Genomes Project 30x 0.00031.
gnomAD v4.1: 92 of 1,613,916 alleles (0.0057%); highest among the groups gnomAD compares: South Asian, 0.097%; 3 homozygotes.

Submissions (3):

Labcorp Genetics (formerly Invitae), Labcorp
Classification: Benign for Citrin deficiency. Last evaluated: 2025-12-16. Review status: criteria provided, single submitter. Criteria: Invitae Variant Classification Sherloc (09022015). Collection method: clinical testing. Allele origin: germline.

PreventionGenetics, part of Exact Sciences
Classification: Likely benign for SLC25A13-related condition. Last evaluated: 2021-08-09. Review status: no assertion criteria provided. Collection method: clinical testing. Allele origin: germline. Not counted in ClinVar's aggregate classification.
Comment: This variant is classified as likely benign based on ACMG/AMP sequence variant interpretation guidelines (Richards et al. 2015 PMID: 25741868, with internal and published modifications).

Natera, Inc.
Classification: Likely benign for Citrullinemia. Last evaluated: 2020-12-31. Review status: no assertion criteria provided. Collection method: clinical testing. Allele origin: germline. Not counted in ClinVar's aggregate classification.

NM_014251.3(SLC25A13):c.306T>C (p.Ala102=)

Gene: SLC25A13 (solute carrier family 25 member 13; minus strand). Cytogenetic location: 7q21.3.
Variant type: single nucleotide variant.
Coding change: c.306T>C on transcript NM_014251.3 (MANE Select); coding-DNA position 306, T replaced by C.
Protein change: p.Ala102=; no amino-acid change (alanine 102 retained).
Molecular consequence: synonymous variant.
Genome position (GRCh38, 1-based): chr7:96,234,824, A>G on the plus strand (T>C on the coding strand, the complement: SLC25A13 is on the minus strand). VCF-style: chr7-96234824-A-G. GRCh37 (hg19) VCF-style: chr7-95864136-A-G.
Other names: c.306T>C, p.Ala102= (NM_001160210.2).
Identifiers: ClinVar variation 748636 (VCV000748636.14), dbSNP rs565008080, ClinGen allele CA4353343.